The following is an entry in ClinVar:

NM_001376.5(DYNC1H1):c.12146A>T (p.Tyr4049Phe)

Gene: DYNC1H1 (dynein cytoplasmic 1 heavy chain 1; plus strand). Cytogenetic location: 14q32.31.
Variant type: single nucleotide variant.
Coding change: c.12146A>T on transcript NM_001376.5 (MANE Select); coding-DNA position 12146, A replaced by T.
Protein change: p.Tyr4049Phe; replaces tyrosine 4049 with phenylalanine.
Molecular consequence: missense variant.
Genome position (GRCh38, 1-based): chr14:102,042,056, A>T. VCF-style: chr14-102042056-A-T. GRCh37 (hg19) VCF-style: chr14-102508393-A-T.
Other names: short protein forms Y4049F.
Identifiers: ClinVar variation 955637 (VCV000955637.9), dbSNP rs2048657881, ClinGen allele CA391038542.

ClinVar aggregate classification (germline): Uncertain significance (1 of 4 stars; one submission).

Conditions:
Charcot-Marie-Tooth disease axonal type 2O. Also called: Charcot-Marie-Tooth Neuropathy Type 2O; CHARCOT-MARIE-TOOTH NEUROPATHY, AXONAL, TYPE 2O; CHARCOT-MARIE-TOOTH DISEASE, AXONAL, AUTOSOMAL DOMINANT, TYPE 2O; Charcot-Marie-Tooth disease, axonal, type 20. Identifiers: Orphanet 284232, MedGen C3280220, MONDO:0013644, OMIM 614228.

Allele frequency attached by ClinVar (database versions not stated): gnomAD exomes below 0.00001; TOPMed below 0.00001.
gnomAD v4.1: 2 of 1,614,094 alleles (0.00012%); highest among the groups gnomAD compares: Non-Finnish European, 0.000085%; no homozygotes.

Submission:

Labcorp Genetics (formerly Invitae), Labcorp
Classification: Uncertain significance for Charcot-Marie-Tooth disease axonal type 2O. Last evaluated: 2025-11-28. Review status: criteria provided, single submitter. Criteria: Invitae Variant Classification Sherloc (09022015). Collection method: clinical testing. Allele origin: germline.
Comment: This sequence change replaces tyrosine, which is neutral and polar, with phenylalanine, which is neutral and non-polar, at codon 4049 of the DYNC1H1 protein (p.Tyr4049Phe). This variant is not present in population databases (gnomAD no frequency). This variant has not been reported in the literature in individuals affected with DYNC1H1-related conditions. ClinVar contains an entry for this variant (Variation ID: 955637). Invitae Evidence Modeling of protein sequence and biophysical properties (such as structural, functional, and spatial information, amino acid conservation, physicochemical variation, residue mobility, and thermodynamic stability) indicates that this missense variant is not expected to disrupt DYNC1H1 protein function with a negative predictive value of 95%. In summary, the available evidence is currently insufficient to determine the role of this variant in disease. Therefore, it has been classified as a Variant of Uncertain Significance.